The following is an entry in ClinVar:

ClinVar aggregate classification (germline): Uncertain significance (1 of 4 stars; one submission).

Submission:

Ambry Genetics
Classification: Uncertain significance. Last evaluated: 2025-11-02. Review status: criteria provided, single submitter. Criteria: Ambry Variant Classification Scheme 2023. Collection method: clinical testing. Allele origin: germline.
Comment: The p.W169L variant (also known as c.506G>T), located in coding exon 1 of the MC1R gene, results from a G to T substitution at nucleotide position 506. The tryptophan at codon 169 is replaced by leucine, an amino acid with similar properties. This amino acid position is conserved. In addition, this alteration is predicted to be deleterious by in silico analysis. Based on the available evidence, the clinical significance of this variant remains unclear.

NM_002386.4(MC1R):c.506G>T (p.Trp169Leu)

Gene: MC1R (melanocortin 1 receptor; plus strand). Cytogenetic location: 16q24.3.
Variant type: single nucleotide variant.
Coding change: c.506G>T on transcript NM_002386.4 (MANE Select); coding-DNA position 506, G replaced by T.
Protein change: p.Trp169Leu; replaces tryptophan 169 with leucine.
Molecular consequence: missense variant.
Genome position (GRCh38, 1-based): chr16:89,919,764, G>T. VCF-style: chr16-89919764-G-T. GRCh37 (hg19) VCF-style: chr16-89986172-G-T.
Other names: short protein forms W169L.
Identifiers: ClinVar variation 4550307 (VCV004550307.1).